The following is an entry in ClinVar:

ClinVar aggregate classification (germline): Uncertain significance. Review status: criteria provided, multiple submitters, no conflicts (2 of 4 stars). 2 submissions from 2 submitters: Uncertain significance (2). Last evaluated 2025-10-01.

Conditions:
Intellectual developmental disorder, X-linked, syndromic, Raymond type. Also called: Syndromic X-linked intellectual disability Raymond type. Identifiers: MedGen C3275406, MONDO:0010427, OMIM 300799.

Allele frequency attached by ClinVar (database versions not stated): TOPMed below 0.00001.

Submissions (2):

Labcorp Genetics (formerly Invitae), Labcorp
Classification: Uncertain significance for Intellectual developmental disorder, X-linked, syndromic, Raymond type. Last evaluated: 2025-10-01. Review status: criteria provided, single submitter. Criteria: Invitae Variant Classification Sherloc (09022015). Collection method: clinical testing. Allele origin: germline.
Comment: This sequence change replaces tryptophan, which is neutral and slightly polar, with arginine, which is basic and polar, at codon 264 of the ZDHHC9 protein (p.Trp264Arg). This variant is not present in population databases (gnomAD no frequency). This variant has not been reported in the literature in individuals affected with ZDHHC9-related conditions. ClinVar contains an entry for this variant (Variation ID: 2880544). Invitae Evidence Modeling of protein sequence and biophysical properties (such as structural, functional, and spatial information, amino acid conservation, physicochemical variation, residue mobility, and thermodynamic stability) indicates that this missense variant is not expected to disrupt ZDHHC9 protein function with a negative predictive value of 80%. In summary, the available evidence is currently insufficient to determine the role of this variant in disease. Therefore, it has been classified as a Variant of Uncertain Significance.

Blueprint Genetics
Classification: Uncertain significance. Last evaluated: 2022-05-04. Review status: criteria provided, single submitter. Criteria: ACMG Guidelines, 2015. Collection method: clinical testing. Allele origin: germline.

NM_016032.4(ZDHHC9):c.790T>C (p.Trp264Arg)

Gene: ZDHHC9 (zDHHC palmitoyltransferase 9; minus strand). Cytogenetic location: Xq26.1.
Variant type: single nucleotide variant.
Coding change: c.790T>C on transcript NM_016032.4 (MANE Select); coding-DNA position 790, T replaced by C.
Protein change: p.Trp264Arg; replaces tryptophan 264 with arginine.
Molecular consequence: missense variant.
Genome position (GRCh38, 1-based): chrX:129,811,497, A>G on the plus strand (T>C on the coding strand, the complement: ZDHHC9 is on the minus strand). VCF-style: chrX-129811497-A-G. GRCh37 (hg19) VCF-style: chrX-128945473-A-G.
Other names: c.790T>C, p.Trp264Arg (NM_001008222.3); short protein forms W264R.
Identifiers: ClinVar variation 2880544 (VCV002880544.4), dbSNP rs1927639702, ClinGen allele CA414582863.